The following is an entry in ClinVar:

ClinVar aggregate classification (germline): Uncertain significance (1 of 4 stars; one submission).

Allele frequency attached by ClinVar (database versions not stated): gnomAD exomes below 0.00001; ExAC 0.00001.
gnomAD v4.1: 4 of 1,614,200 alleles (0.00025%); highest among the groups gnomAD compares: South Asian, 0.0033%; no homozygotes.

Submission:

Athena Diagnostics
Classification: Uncertain significance. Last evaluated: 2024-01-05. Review status: criteria provided, single submitter. Criteria: Athena Diagnostics Criteria. Collection method: clinical testing. Allele origin: unknown.
Comment: Available data are insufficient to determine the clinical significance of the variant at this time. The frequency of this variant in the general population is uninformative in assessment of its pathogenicity. Computational tools disagree on the variant's effect on normal protein function.

NM_182961.4(SYNE1):c.12715A>G (p.Thr4239Ala)

Gene: SYNE1 (spectrin repeat containing nuclear envelope protein 1; minus strand). Cytogenetic location: 6q25.2.
Variant type: single nucleotide variant.
Coding change: c.12715A>G on transcript NM_182961.4 (MANE Select); coding-DNA position 12715, A replaced by G.
Protein change: p.Thr4239Ala; replaces threonine 4239 with alanine.
Molecular consequence: missense variant.
Genome position (GRCh38, 1-based): chr6:152,334,087, T>C on the plus strand (A>G on the coding strand, the complement: SYNE1 is on the minus strand). VCF-style: chr6-152334087-T-C. GRCh37 (hg19) VCF-style: chr6-152655222-T-C.
Other names: c.12502A>G, p.Thr4168Ala (NM_033071.5); short protein forms T4168A, T4239A.
Identifiers: ClinVar variation 2684030 (VCV002684030.2), dbSNP rs760612091, ClinGen allele CA4056332.